The following is an entry in ClinVar:

NM_000092.5(COL4A4):c.4351G>T (p.Gly1451Trp)

Gene: COL4A4 (collagen type IV alpha 4 chain; minus strand). Cytogenetic location: 2q36.3.
Variant type: single nucleotide variant.
Coding change: c.4351G>T on transcript NM_000092.5 (MANE Select); coding-DNA position 4351, G replaced by T.
Protein change: p.Gly1451Trp; replaces glycine 1451 with tryptophan.
Molecular consequence: missense variant.
Genome position (GRCh38, 1-based): chr2:227,010,484, C>A on the plus strand (G>T on the coding strand, the complement: COL4A4 is on the minus strand). VCF-style: chr2-227010484-C-A. GRCh37 (hg19) VCF-style: chr2-227875200-C-A.
Other names: short protein forms G1451W.
Identifiers: ClinVar variation 4291794 (VCV004291794.1).

ClinVar aggregate classification (germline): Uncertain significance (1 of 4 stars; one submission).

Conditions:
Autosomal recessive Alport syndrome (ATS2). Also called: Alport syndrome type 2; ALPORT SYNDROME 2, AUTOSOMAL RECESSIVE; COL4A4 Alport Syndrome and Thin Basement Membrane Nephropathy; COL4A3-Related Nephropathy. Identifiers: Orphanet 63, Orphanet 88919, MedGen C4746745, MONDO:0008762, OMIM 203780.

Submission:

3billion
Classification: Uncertain significance for Autosomal recessive Alport syndrome. Last evaluated: 2024-12-31. Review status: criteria provided, single submitter. Criteria: ACMG Guidelines, 2015. Collection method: clinical testing. Allele origin: germline. Affected: yes.
Comment: The variant is not observed in the gnomAD v4.1.0 dataset. Predicted Consequence/Location: Missense variant In silico tool predictions suggest damaging effect of the variant on gene or gene product [REVEL: 0.94 (>=0.6, sensitivity 0.68 and specificity 0.92); 3Cnet: 0.84 (>=0.6, sensitivity 0.72 and precision 0.9)]. A different missense change at the same codon (p.Gly1451Arg) has been reported to be associated with COL4A4-related disorder (ClinVar ID: VCV000974378 /PMID: 29801666). However the evidence of pathogenicity is insufficient at this time. Therefore, this variant is classified as VUS according to the recommendation of ACMG/AMP guideline.

Literature cited by the submitters: PubMed 29801666.